The following is an entry in ClinVar:

NM_003239.5(TGFB3):c.194T>C (p.Val65Ala)

Gene: TGFB3 (transforming growth factor beta 3; minus strand). Cytogenetic location: 14q24.3.
Variant type: single nucleotide variant.
Coding change: c.194T>C on transcript NM_003239.5 (MANE Select); coding-DNA position 194, T replaced by C.
Protein change: p.Val65Ala; replaces valine 65 with alanine.
Molecular consequence: missense variant.
Genome position (GRCh38, 1-based): chr14:75,980,700, A>G on the plus strand (T>C on the coding strand, the complement: TGFB3 is on the minus strand). VCF-style: chr14-75980700-A-G. GRCh37 (hg19) VCF-style: chr14-76447043-A-G.
Other names: c.194T>C, p.Val65Ala (NM_001329938.2, NM_001329939.2); short protein forms V65A.
Identifiers: ClinVar variation 1783204 (VCV001783204.2), dbSNP rs2503023763, ClinGen allele CA390471453.

ClinVar aggregate classification (germline): Uncertain significance (1 of 4 stars; one submission).

Conditions:
Familial thoracic aortic aneurysm and aortic dissection (TAAD). Also called: Thoracic aortic aneurysms and dissections. Identifiers: Orphanet 91387, MedGen C4707243, MONDO:0019625.

Submission:

Ambry Genetics
Classification: Uncertain significance for Familial thoracic aortic aneurysm and aortic dissection. Last evaluated: 2020-11-06. Review status: criteria provided, single submitter. Criteria: Ambry Variant Classification Scheme 2023. Collection method: clinical testing. Allele origin: germline.
Comment: The p.V65A variant (also known as c.194T>C), located in coding exon 1 of the TGFB3 gene, results from a T to C substitution at nucleotide position 194. The valine at codon 65 is replaced by alanine, an amino acid with similar properties. This amino acid position is well conserved in available vertebrate species. In addition, the in silico prediction for this alteration is inconclusive. Since supporting evidence is limited at this time, the clinical significance of this alteration remains unclear.